The following is an entry in ClinVar:

NM_001142864.4(PIEZO1):c.4905C>T (p.Ala1635=)

Gene: PIEZO1 (piezo type mechanosensitive ion channel component 1 (Er blood group); minus strand). Cytogenetic location: 16q24.3.
Variant type: single nucleotide variant.
Coding change: c.4905C>T on transcript NM_001142864.4 (MANE Select); coding-DNA position 4905, C replaced by T.
Protein change: p.Ala1635=; no amino-acid change (alanine 1635 retained).
Molecular consequence: synonymous variant.
Genome position (GRCh38, 1-based): chr16:88,722,268, G>A on the plus strand (C>T on the coding strand, the complement: PIEZO1 is on the minus strand). VCF-style: chr16-88722268-G-A. GRCh37 (hg19) VCF-style: chr16-88788676-G-A.
Identifiers: ClinVar variation 4873771 (VCV004873771.2).

ClinVar aggregate classification (germline): Likely benign (1 of 4 stars; one submission).

gnomAD v4.1: 11 of 1,548,404 alleles (0.00071%); highest among the groups gnomAD compares: East Asian, 0.0049%; no homozygotes.

Submission:

CeGaT Center for Human Genetics Tuebingen
Classification: Likely benign. Last evaluated: 2026-05-01. Review status: criteria provided, single submitter. Criteria: CeGaT Center For Human Genetics Tuebingen Variant Classification Criteria Version 2. Collection method: clinical testing. Allele origin: germline. Affected: yes. Observed: 1 variant allele.
Comment: PIEZO1: BP4, BP7